The following is an entry in ClinVar:

ClinVar aggregate classification (germline): Likely benign. Review status: criteria provided, single submitter (1 of 4 stars). 2 submissions from 2 submitters: Likely benign (1). 1 of the submissions does not count toward it. Last evaluated 2025-07-30.

Conditions:
RP1L1-related disorder. Also called: RP1L1-related condition.

Allele frequency attached by ClinVar (database versions not stated): TOPMed below 0.00001.
gnomAD v4.1: 7 of 1,614,186 alleles (0.00043%); highest among the groups gnomAD compares: African/African-American, 0.0067%; no homozygotes.

Submissions (2):

Labcorp Genetics (formerly Invitae), Labcorp
Classification: Likely benign. Last evaluated: 2025-07-30. Review status: criteria provided, single submitter. Criteria: Invitae Variant Classification Sherloc (09022015). Collection method: clinical testing. Allele origin: germline.

PreventionGenetics, part of Exact Sciences
Classification: Likely benign for RP1L1-related condition. Last evaluated: 2019-03-25. Review status: no assertion criteria provided. Collection method: clinical testing. Allele origin: germline. Not counted in ClinVar's aggregate classification.
Comment: This variant is classified as likely benign based on ACMG/AMP sequence variant interpretation guidelines (Richards et al. 2015 PMID: 25741868, with internal and published modifications).

NM_178857.6(RP1L1):c.498G>A (p.Gln166=)

Gene: RP1L1 (RP1 like 1). Cytogenetic location: 8p23.1.
Variant type: single nucleotide variant.
Coding change: c.498G>A on transcript NM_178857.6 (MANE Select); coding-DNA position 498, G replaced by A.
Protein change: p.Gln166=; no amino-acid change (glutamine 166 retained).
Molecular consequence: synonymous variant.
Genome position (GRCh38, 1-based): chr8:10,622,704, C>T on the plus strand (G>A on the coding strand, the complement: RP1L1 is on the minus strand). VCF-style: chr8-10622704-C-T. GRCh37 (hg19) VCF-style: chr8-10480214-C-T.
Other names: c.498G>A (NM_178857.5).
Identifiers: ClinVar variation 1572831 (VCV001572831.10), dbSNP rs1554454548, ClinGen allele CA459620133.
Genomic context (GRCh38, chr8:10,622,704, plus strand): 5'-TGAGGCTTTGCCGAGAAAGGCGGCCAGGTTCCTAGTATTCCTGTGACTGAGAACCACTGT[C>T]TGCTGGAGGCGAGGGTCCATGTTCTTAATCAGCAGTATCCTCCGGGGGGTTTTAAGACTC-3'
Protein context (NP_849188.4, residues 156-176): LIKNMDPRLQ[Gln166=]TVVLSHRNTR